The following is an entry in ClinVar:

ClinVar aggregate classification (germline): Uncertain significance (1 of 4 stars; one submission).

Conditions:
Familial acute necrotizing encephalopathy (IIAE3). Also called: ENCEPHALOPATHY, ACUTE, INFECTION-INDUCED, SUSCEPTIBILITY TO, 3; Susceptibility to Acute Necrotizing Encephalopathy 1. Identifiers: Orphanet 88619, MedGen C2675556, MONDO:0011953, OMIM 608033.

Allele frequency attached by ClinVar (database versions not stated): gnomAD 0.00001; gnomAD exomes 0.00001.
gnomAD v4.1: 4 of 1,613,780 alleles (0.00025%); highest among the groups gnomAD compares: Non-Finnish European, 0.00034%; no homozygotes.

Submission:

Labcorp Genetics (formerly Invitae), Labcorp
Classification: Uncertain significance for Familial acute necrotizing encephalopathy. Last evaluated: 2019-01-01. Review status: criteria provided, single submitter. Criteria: Invitae Variant Classification Sherloc (09022015). Collection method: clinical testing. Allele origin: germline.
Comment: Algorithms developed to predict the effect of missense changes on protein structure and function output the following: SIFT: "Tolerated"; PolyPhen-2: "Benign"; Align-GVGD: "Class C0". The serine amino acid residue is found in multiple mammalian species, suggesting that this missense change does not adversely affect protein function. These predictions have not been confirmed by published functional studies and their clinical significance is uncertain. In summary, the available evidence is currently insufficient to determine the role of this variant in disease. Therefore, it has been classified as a Variant of Uncertain Significance. This variant has not been reported in the literature in individuals with RANBP2-related conditions. This variant is not present in population databases (ExAC no frequency). This sequence change replaces proline with serine at codon 1388 of the RANBP2 protein (p.Pro1388Ser). The proline residue is highly conserved and there is a moderate physicochemical difference between proline and serine.

NM_006267.5(RANBP2):c.4162C>T (p.Pro1388Ser)

Gene: RANBP2 (RAN binding protein 2; plus strand). Cytogenetic location: 2q13.
Variant type: single nucleotide variant.
Coding change: c.4162C>T on transcript NM_006267.5 (MANE Select); coding-DNA position 4162, C replaced by T.
Protein change: p.Pro1388Ser; replaces proline 1388 with serine.
Molecular consequence: missense variant.
Genome position (GRCh38, 1-based): chr2:108,764,701, C>T. VCF-style: chr2-108764701-C-T. GRCh37 (hg19) VCF-style: chr2-109381157-C-T.
Other names: short protein forms P1388S.
Identifiers: ClinVar variation 856047 (VCV000856047.10), dbSNP rs1676988149, ClinGen allele CA348065862.